The following is an entry in ClinVar:

NM_032119.4(ADGRV1):c.9279C>T (p.Tyr3093=)

Gene: ADGRV1 (adhesion G protein-coupled receptor V1; plus strand). Cytogenetic location: 5q14.3.
Variant type: single nucleotide variant.
Coding change: c.9279C>T on transcript NM_032119.4 (MANE Select); coding-DNA position 9279, C replaced by T.
Protein change: p.Tyr3093=; no amino-acid change (tyrosine 3093 retained).
Molecular consequence: synonymous variant. On other transcripts: non-coding transcript variant (1).
Genome position (GRCh38, 1-based): chr5:90,716,561, C>T. VCF-style: chr5-90716561-C-T. GRCh37 (hg19) VCF-style: chr5-90012378-C-T.
Identifiers: ClinVar variation 742093 (VCV000742093.9), dbSNP rs368882324, ClinGen allele CA3340476.

ClinVar aggregate classification (germline): Likely benign. Review status: criteria provided, multiple submitters, no conflicts (2 of 4 stars). 2 submissions from 2 submitters: Likely benign (2). Last evaluated 2026-08-17.

Conditions:
ADGRV1-related disorder. Also called: ADGRV1-related condition; ADGRV1-related disorders.

Allele frequency attached by ClinVar (database versions not stated): ExAC 0.00002; gnomAD exomes 0.00002; gnomAD 0.00003 and 0.00004; TOPMed 0.00004; ESP Exome Variant Server 0.00008.
gnomAD v4.1: 18 of 1,613,066 alleles (0.0011%); highest among the groups gnomAD compares: Admixed American, 0.012%; no homozygotes.

Submissions (2):

PreventionGenetics, part of Exact Sciences
Classification: Likely benign for ADGRV1-related condition. Last evaluated: 2026-08-17. Review status: criteria provided, single submitter. Criteria: ACMG Guidelines, 2015. Collection method: clinical testing. Allele origin: germline.
Comment: This variant is classified as likely benign based on ACMG/AMP sequence variant interpretation guidelines (Richards et al. 2015 PMID: 25741868, with internal and published modifications).

Labcorp Genetics (formerly Invitae), Labcorp
Classification: Likely benign. Last evaluated: 2024-01-31. Review status: criteria provided, single submitter. Criteria: Invitae Variant Classification Sherloc (09022015). Collection method: clinical testing. Allele origin: germline.